The following is an entry in ClinVar:

ClinVar aggregate classification (germline): Uncertain significance (1 of 4 stars; one submission).

Allele frequency attached by ClinVar (database versions not stated): TOPMed below 0.00001; ExAC 0.00001; gnomAD exomes below 0.00001.
gnomAD v4.1: 2 of 1,613,730 alleles (0.00012%); highest among the groups gnomAD compares: Admixed American, 0.0017%; no homozygotes.

Submission:

Labcorp Genetics (formerly Invitae), Labcorp
Classification: Uncertain significance. Last evaluated: 2025-05-05. Review status: criteria provided, single submitter. Criteria: Invitae Variant Classification Sherloc (09022015). Collection method: clinical testing. Allele origin: germline.
Comment: This sequence change replaces glutamic acid, which is acidic and polar, with lysine, which is basic and polar, at codon 204 of the ZNF408 protein (p.Glu204Lys). This variant is present in population databases (rs778253784, gnomAD 0.0009%). This variant has not been reported in the literature in individuals affected with ZNF408-related conditions. ClinVar contains an entry for this variant (Variation ID: 1962766). An algorithm developed to predict the effect of missense changes on protein structure and function (PolyPhen-2) suggests that this variant is likely to be tolerated. In summary, the available evidence is currently insufficient to determine the role of this variant in disease. Therefore, it has been classified as a Variant of Uncertain Significance.

NM_024741.3(ZNF408):c.610G>A (p.Glu204Lys)

Gene: ZNF408 (zinc finger protein 408; plus strand). Cytogenetic location: 11p11.2.
Variant type: single nucleotide variant.
Coding change: c.610G>A on transcript NM_024741.3 (MANE Select); coding-DNA position 610, G replaced by A.
Protein change: p.Glu204Lys; replaces glutamic acid 204 with lysine.
Molecular consequence: missense variant.
Genome position (GRCh38, 1-based): chr11:46,703,201, G>A. VCF-style: chr11-46703201-G-A. GRCh37 (hg19) VCF-style: chr11-46724751-G-A.
Other names: c.586G>A, p.Glu196Lys (NM_001184751.2); short protein forms E204K, E196K.
Identifiers: ClinVar variation 1962766 (VCV001962766.5), dbSNP rs778253784, ClinGen allele CA5966379.
Genomic context (GRCh38, chr11:46,703,201, plus strand): 5'-GGGCTGGACAAAGAGGCAGCTGTAGCAGTGGTGACAGAAGTGGAGTCTGCTGTACAGCAG[G>A]AAGTGGCCTCCCCTGGGGAGGATGCAGCAGAACCTTGCATAGGTATGTGTCAAATAAATG-3'
Protein context (NP_079017.1, residues 194-214): VTEVESAVQQ[Glu204Lys]VASPGEDAAE